The following is an entry in ClinVar:

NC_000012.11:g.(?_102173920)_(102174409_?)del

Gene: GNPTAB (N-acetylglucosamine-1-phosphate transferase subunits alpha and beta; minus strand). Cytogenetic location: 12q23.2.
Variant type: Deletion.
Identifiers: ClinVar variation 2426815 (VCV002426815.3).

ClinVar aggregate classification (germline): Pathogenic (1 of 4 stars; one submission).

Conditions:
Mucolipidosis type II. Also called: ML II ALPHA/BETA; Mucolipidosis 2; ML 2; Inclusion cell disease; Leroy Disease; N-acetylglucosamine 1phosphotransferase deficiency. Identifiers: Orphanet 576, MedGen C2673377, MONDO:0009650, OMIM 252500.
Pseudo-Hurler polydystrophy. Also called: ML III; ML III ALPHA/BETA; Type III Mucolipidosis; ML IIIA; Mucolipidosis III Alpha/Beta; MUCOLIPIDOSIS IIIA. Identifiers: Orphanet 423461, Orphanet 577, MedGen C0033788, MONDO:0018931, OMIM 252600.

Submission:

Labcorp Genetics (formerly Invitae), Labcorp
Classification: Pathogenic for Pseudo-Hurler polydystrophy; Mucolipidosis type II. Last evaluated: 2022-06-22. Review status: criteria provided, single submitter. Criteria: Invitae Variant Classification Sherloc (09022015). Collection method: clinical testing. Allele origin: germline.
Comment: This variant is a gross deletion of the genomic region encompassing exon(s) 6-7 of the GNPTAB gene. This deletion is out-of-frame, and is expected to create a premature termination codon and result in an absent or disrupted protein product. Loss-of-function variants in GNPTAB are known to be pathogenic (PMID: 19617216, 25107912). This variant has not been reported in the literature in individuals affected with GNPTAB-related conditions. For these reasons, this variant has been classified as Pathogenic.

Literature cited by the submitters: PubMed 19617216; PubMed 25107912.